The following is an entry in ClinVar:

ClinVar aggregate classification (germline): Conflicting classifications of pathogenicity. Review status: criteria provided, conflicting classifications (1 of 4 stars). 2 submissions from 2 submitters: Uncertain significance (1); Likely benign (1). Last evaluated 2025-06-05.

Conditions:
Hypercholesterolemia, autosomal dominant, type B (FHCL2). Also called: Hyperlipoproteinemia Type IIb; Familial hypercholesterolemia 2; APOB-Related Familial Hypercholesterolemia, Autosomal Dominant; Familial Hypercholesterolemia Type B; APOLIPOPROTEIN B-100, FAMILIAL DEFECTIVE; APOLIPOPROTEIN B-100, FAMILIAL LIGAND-DEFECTIVE. Identifiers: MedGen C1704417, MONDO:0007751, OMIM 144010.
Familial hypobetalipoproteinemia 1. Also called: Hypobetalipoproteinemia, normotriglyceridemic; Acanthocytosis with hypobetalipoproteinemia; APOB-Related Familial Hypobetalipoproteinemia. Identifiers: MedGen C4551990, MONDO:0014252, OMIM 615558.
Cardiovascular phenotype. Identifiers: MedGen CN230736.

Allele frequency attached by ClinVar (database versions not stated): gnomAD 0.00001; ExAC 0.00002; gnomAD exomes 0.00002; TOPMed 0.00002; ESP Exome Variant Server 0.00008.
gnomAD v4.1: 25 of 1,614,020 alleles (0.0015%); highest among the groups gnomAD compares: South Asian, 0.0077%; 1 homozygote.

Submissions (2):

Ambry Genetics
Classification: Uncertain significance for Cardiovascular phenotype. Last evaluated: 2025-06-05. Review status: criteria provided, single submitter. Criteria: Ambry Variant Classification Scheme 2023. Collection method: clinical testing. Allele origin: germline.
Comment: The p.R1513W variant (also known as c.4537C>T), located in coding exon 26 of the APOB gene, results from a C to T substitution at nucleotide position 4537. The arginine at codon 1513 is replaced by tryptophan, an amino acid with dissimilar properties. This amino acid position is not well conserved in available vertebrate species. In addition, this alteration is predicted to be tolerated by in silico analysis. Since supporting evidence is limited at this time, the clinical significance of this alteration remains unclear.

Labcorp Genetics (formerly Invitae), Labcorp
Classification: Likely benign for Familial hypobetalipoproteinemia 1; Hypercholesterolemia, autosomal dominant, type B. Last evaluated: 2024-12-04. Review status: criteria provided, single submitter. Criteria: Invitae Variant Classification Sherloc (09022015). Collection method: clinical testing. Allele origin: germline.

NM_000384.3(APOB):c.4537C>T (p.Arg1513Trp)

Gene: APOB (apolipoprotein B; minus strand). Cytogenetic location: 2p24.1.
Variant type: single nucleotide variant.
Coding change: c.4537C>T on transcript NM_000384.3 (MANE Select); coding-DNA position 4537, C replaced by T.
Protein change: p.Arg1513Trp; replaces arginine 1513 with tryptophan.
Molecular consequence: missense variant.
Genome position (GRCh38, 1-based): chr2:21,012,331, G>A on the plus strand (C>T on the coding strand, the complement: APOB is on the minus strand). VCF-style: chr2-21012331-G-A. GRCh37 (hg19) VCF-style: chr2-21235203-G-A.
Other names: short protein forms R1513W.
Identifiers: ClinVar variation 835490 (VCV000835490.15), dbSNP rs139621265, ClinGen allele CA061098.